The following is an entry in ClinVar:

NM_000466.3(PEX1):c.3248_3257del (p.Ser1083fs)

Genes: GATAD1 (GATA zinc finger domain containing 1; plus strand), PEX1 (peroxisomal biogenesis factor 1; minus strand). Cytogenetic location: 7q21.2.
Variant type: Deletion.
Coding change: c.3248_3257del on transcript NM_000466.3 (MANE Select); coding-DNA positions 3248 to 3257, 10 bases deleted (CAATGGTCTT; older notation c.3248_3257delCAATGGTCTT).
Protein change: p.Ser1083fs; shifts the reading frame from serine 1083.
Molecular consequence: frameshift variant.
Genome position (GRCh38, 1-based): chr7:92,491,453-92,491,462, AAGACCATTG deleted on the plus strand (CAATGGTCTT on the coding strand, the reverse complement: PEX1 is on the minus strand); deleting any 10 consecutive bases within chr7:92,491,453-92,491,467 gives the same sequence; the c. name uses the placement nearest the transcript's 3' end. VCF-style (leftmost placement, unchanged base first): chr7-92491452-AAAGACCATTG-A. GRCh37 (hg19) VCF-style: chr7-92120766-AAAGACCATTG-A.
Other names: c.3077_3086del, p.Ser1026fs (NM_001282677.2); c.2624_2633del, p.Ser875fs (NM_001282678.2); short protein forms S1026fs, S1083fs, S875fs.
Identifiers: ClinVar variation 4734313 (VCV004734313.1), dbSNP rs2116059968.

ClinVar aggregate classification (germline): Pathogenic (1 of 4 stars; one submission).

Conditions:
Zellweger spectrum disorders (ZS). Also called: Zellweger Spectrum Disorder (ZSD); Zellweger Spectrum Disorder; Zellweger Spectrum; Zellweger syndrome. Identifiers: Orphanet 912, MedGen C0043459, MONDO:0019609.

Submission:

Labcorp Genetics (formerly Invitae), Labcorp
Classification: Pathogenic for Zellweger spectrum disorders. Last evaluated: 2026-01-02. Review status: criteria provided, single submitter. Criteria: Invitae Variant Classification Sherloc (09022015). Collection method: clinical testing. Allele origin: germline.
Comment: This sequence change creates a premature translational stop signal (p.Ser1083Phefs*19) in the PEX1 gene. It is expected to result in an absent or disrupted protein product. Loss-of-function variants in PEX1 are known to be pathogenic (PMID: 21031596, 26387595, 31831025). This variant is not present in population databases (gnomAD no frequency). This variant has not been reported in the literature in individuals affected with PEX1-related conditions. Algorithms developed to predict the effect of sequence changes on RNA splicing suggest that this variant may create or strengthen a splice site. For these reasons, this variant has been classified as Pathogenic.

Literature cited by the submitters: PubMed 21031596; PubMed 26387595; PubMed 31831025.